The following is an entry in ClinVar:

NM_000352.6(ABCC8):c.3403A>G (p.Ile1135Val)

Gene: ABCC8 (ATP binding cassette subfamily C member 8; minus strand). Cytogenetic location: 11p15.1.
Variant type: single nucleotide variant.
Coding change: c.3403A>G on transcript NM_000352.6 (MANE Select); coding-DNA position 3403, A replaced by G.
Protein change: p.Ile1135Val; replaces isoleucine 1135 with valine.
Molecular consequence: missense variant. On other transcripts: non-coding transcript variant (1).
Genome position (GRCh38, 1-based): chr11:17,404,666, T>C on the plus strand (A>G on the coding strand, the complement: ABCC8 is on the minus strand). VCF-style: chr11-17404666-T-C. GRCh37 (hg19) VCF-style: chr11-17426213-T-C.
Other names: c.3406A>G, p.Ile1136Val (NM_001287174.3); c.3469A>G, p.Ile1157Val (NM_001351295.2); c.3403A>G, p.Ile1135Val (NM_001351296.2); c.3400A>G, p.Ile1134Val (NM_001351297.2); short protein forms I1134V, I1135V, I1136V, I1157V.
Identifiers: ClinVar variation 3899779 (VCV003899779.1).
Genomic context (GRCh38, chr11:17,404,666, plus strand): 5'-CGGCCAGGGCTGAGACACAGAGCAGGGTGGAGCGGCTCAGGCACTCCAGCGTGGATGGGA[T>C]GTGCTGAGGGAGACGAGGGGGAGAGAGTGAGGTGAATTTTGGTATTGACTGTGTTTAGAG-3'
Protein context (NP_000343.2, residues 1125-1145): SSDCNTIDQH[Ile1135Val]PSTLECLSRS

ClinVar aggregate classification (germline): Uncertain significance (1 of 4 stars; one submission).

Submission:

GeneDx
Classification: Uncertain significance. Last evaluated: 2024-11-18. Review status: criteria provided, single submitter. Criteria: GeneDx Variant Classification Process June 2021. Collection method: clinical testing. Allele origin: germline. Affected: yes.
Comment: Not observed at significant frequency in large population cohorts (gnomAD); In silico analysis indicates that this missense variant does not alter protein structure/function; Has not been previously published as pathogenic or benign to our knowledge